The following is an entry in ClinVar:

NM_002180.3(IGHMBP2):c.929C>G (p.Thr310Ser)

Gene: IGHMBP2 (immunoglobulin mu DNA binding protein 2; plus strand). Cytogenetic location: 11q13.3.
Variant type: single nucleotide variant.
Coding change: c.929C>G on transcript NM_002180.3 (MANE Select); coding-DNA position 929, C replaced by G.
Protein change: p.Thr310Ser; replaces threonine 310 with serine.
Molecular consequence: missense variant.
Genome position (GRCh38, 1-based): chr11:68,917,752, C>G. VCF-style: chr11-68917752-C-G. GRCh37 (hg19) VCF-style: chr11-68685220-C-G.
Other names: short protein forms T310S.
Identifiers: ClinVar variation 838077 (VCV000838077.10), dbSNP rs555235493, ClinGen allele CA223394984.

ClinVar aggregate classification (germline): Uncertain significance (1 of 4 stars; one submission).

Conditions:
Charcot-Marie-Tooth disease axonal type 2S. Also called: CHARCOT-MARIE-TOOTH NEUROPATHY, TYPE 2S; CHARCOT-MARIE-TOOTH DISEASE, AXONAL, AUTOSOMAL RECESSIVE, TYPE 2S. Identifiers: Orphanet 443073, MedGen C4015349, MONDO:0014511, OMIM 616155.
Autosomal recessive distal spinal muscular atrophy 1. Also called: SEVERE INFANTILE AXONAL NEUROPATHY WITH RESPIRATORY FAILURE; SPINAL MUSCULAR ATROPHY, DIAPHRAGMATIC; Spinal muscular atrophy with respiratory distress 1; NEURONOPATHY, DISTAL HEREDITARY MOTOR, HARDING TYPE VI; NEUROPATHY, DISTAL HEREDITARY MOTOR, AUTOSOMAL RECESSIVE 1; HMN VI. Identifiers: Orphanet 98920, MedGen C1858517, MONDO:0011436, OMIM 604320.

Allele frequency attached by ClinVar (database versions not stated): gnomAD 0.00001.
gnomAD v4.1: 6 of 1,612,230 alleles (0.00037%); highest among the groups gnomAD compares: Non-Finnish European, 0.00051%; no homozygotes.

Submission:

Labcorp Genetics (formerly Invitae), Labcorp
Classification: Uncertain significance for Autosomal recessive distal spinal muscular atrophy 1; Charcot-Marie-Tooth disease axonal type 2S. Last evaluated: 2022-08-21. Review status: criteria provided, single submitter. Criteria: Invitae Variant Classification Sherloc (09022015). Collection method: clinical testing. Allele origin: germline.
Comment: This sequence change replaces threonine, which is neutral and polar, with serine, which is neutral and polar, at codon 310 of the IGHMBP2 protein (p.Thr310Ser). This variant is not present in population databases (gnomAD no frequency). This variant has not been reported in the literature in individuals affected with IGHMBP2-related conditions. ClinVar contains an entry for this variant (Variation ID: 838077). Advanced modeling of protein sequence and biophysical properties (such as structural, functional, and spatial information, amino acid conservation, physicochemical variation, residue mobility, and thermodynamic stability) performed at Invitae indicates that this missense variant is not expected to disrupt IGHMBP2 protein function. In summary, the available evidence is currently insufficient to determine the role of this variant in disease. Therefore, it has been classified as a Variant of Uncertain Significance.